The following is an entry in ClinVar:

NM_003839.4(TNFRSF11A):c.1714GAG[3] (p.Glu573_Thr574insGlu)

Gene: TNFRSF11A (TNF receptor superfamily member 11a; plus strand). Cytogenetic location: 18q21.33.
Variant type: Microsatellite.
Coding change: c.1714GAG[3] on transcript NM_003839.4 (MANE Select); three copies in a row of the 3-base unit GAG starting at c.1714; the reference has two copies in a row; one copy, 3 bases duplicated.
Protein change: p.Glu573_Thr574insGlu.
Molecular consequence: inframe insertion. On other transcripts: 3 prime UTR variant (1).
Genome position (GRCh38, 1-based): chr18:62,384,900-62,384,902, GAG duplicated; duplicating any 3 consecutive bases within chr18:62,384,895-62,384,902 gives the same sequence; the position shown is the placement nearest the transcript's 3' end. VCF-style (leftmost placement, unchanged base first): chr18-62384894-C-CAGG. GRCh37 (hg19) VCF-style: chr18-60052127-C-CAGG.
Other names: c.*138GAG[3] (NM_001270949.2); c.877GAG[3], p.Glu294_Thr295insGlu (NM_001270950.2); c.763GAG[3], p.Glu256_Thr257insGlu (NM_001270951.2); c.1672GAG[3], p.Glu559_Thr560insGlu (NM_001278268.2).
Identifiers: ClinVar variation 2790398 (VCV002790398.3), dbSNP rs1911586004, ClinGen allele CA2576518766.

ClinVar aggregate classification (germline): Uncertain significance (1 of 4 stars; one submission).

Submission:

Labcorp Genetics (formerly Invitae), Labcorp
Classification: Uncertain significance. Last evaluated: 2024-02-01. Review status: criteria provided, single submitter. Criteria: Invitae Variant Classification Sherloc (09022015). Collection method: clinical testing. Allele origin: germline.
Comment: This variant, c.1717_1719dup, results in the insertion of 1 amino acid(s) of the TNFRSF11A protein (p.Glu573dup), but otherwise preserves the integrity of the reading frame. This variant is not present in population databases (gnomAD no frequency). This variant has not been reported in the literature in individuals affected with TNFRSF11A-related conditions. Experimental studies and prediction algorithms are not available or were not evaluated, and the functional significance of this variant is currently unknown. In summary, the available evidence is currently insufficient to determine the role of this variant in disease. Therefore, it has been classified as a Variant of Uncertain Significance.